The following is an entry in ClinVar:

ClinVar aggregate classification (germline): Uncertain significance (1 of 4 stars; one submission).

Submission:

Labcorp Genetics (formerly Invitae), Labcorp
Classification: Uncertain significance. Last evaluated: 2022-10-19. Review status: criteria provided, single submitter. Criteria: Invitae Variant Classification Sherloc (09022015). Collection method: clinical testing. Allele origin: germline.
Comment: In summary, the available evidence is currently insufficient to determine the role of this variant in disease. Therefore, it has been classified as a Variant of Uncertain Significance. Experimental studies and prediction algorithms are not available or were not evaluated, and the functional significance of this variant is currently unknown. This variant has not been reported in the literature in individuals affected with TAF1-related conditions. This variant results in a copy number gain of the genomic region encompassing exon(s) 33-38 of the TAF1 gene. This region includes the termination codon of the gene. This copy number gain extends beyond the assayed region for this gene and therefore may encompass additional genes. As the precise location of this event is unknown, it may be in tandem or it may be located elsewhere in the genome.

NC_000023.10:g.(?_70674000)_(70683896_?)dup

Gene: TAF1 (TATA-box binding protein associated factor 1; plus strand). Cytogenetic location: Xq13.1.
Variant type: Duplication.
Identifiers: ClinVar variation 2425181 (VCV002425181.4).